The following is an entry in ClinVar:

NM_001845.6(COL4A1):c.4615del (p.Glu1539fs)

Gene: COL4A1 (collagen type IV alpha 1 chain; minus strand). Cytogenetic location: 13q34.
Variant type: Deletion.
Coding change: c.4615del on transcript NM_001845.6 (MANE Select); coding-DNA position 4615, one base deleted (G; older notation c.4615delG).
Protein change: p.Glu1539fs; shifts the reading frame from glutamic acid 1539.
Molecular consequence: frameshift variant.
Genome position (GRCh38, 1-based): chr13:110,161,217, C deleted on the plus strand (G on the coding strand, the reverse complement: COL4A1 is on the minus strand); the first of 5 consecutive C bases (chr13:110,161,217-110,161,221); deleting any one gives the same sequence. VCF-style (leftmost placement, unchanged base first): chr13-110161216-TC-T. GRCh37 (hg19) VCF-style: chr13-110813563-TC-T.
Other names: short protein forms E1539fs.
Identifiers: ClinVar variation 5038110 (VCV005038110.1).

ClinVar aggregate classification (germline): Likely pathogenic (1 of 4 stars; one submission).

Conditions:
Autosomal dominant familial hematuria-retinal arteriolar tortuosity-contractures syndrome. Also called: Angiopathy, hereditary, with nephropathy, aneurysms, and muscle cramps; Hereditary Angiopathy with Nephropathy, Aneurysms, and Muscle Cramps (HANAC) Syndrome. Identifiers: Orphanet 73229, MedGen C2673195, MONDO:0012726, OMIM 611773.

Submission:

MVZ Medizinische Genetik Mainz
Classification: Likely pathogenic for Autosomal dominant familial hematuria-retinal arteriolar tortuosity-contractures syndrome. Last evaluated: 2025-12-22. Review status: criteria provided, single submitter. Criteria: UK Practice Guidelines For Variant Classification V4 01 2020. Collection method: clinical testing. Allele origin: germline. Inheritance: Autosomal dominant inheritance. Affected: yes. Observed: 1 variant allele.
Comment: ACMG Criteria: PVS1,PM2_SUP